The following is an entry in ClinVar:

NM_004360.5(CDH1):c.100G>A (p.Ala34Thr)

Gene: CDH1 (cadherin 1; plus strand). Cytogenetic location: 16q22.1.
Variant type: single nucleotide variant.
Coding change: c.100G>A on transcript NM_004360.5 (MANE Select); coding-DNA position 100, G replaced by A.
Protein change: p.Ala34Thr; replaces alanine 34 with threonine.
Molecular consequence: missense variant. On other transcripts: 5 prime UTR variant (2).
Genome position (GRCh38, 1-based): chr16:68,738,348, G>A. VCF-style: chr16-68738348-G-A. GRCh37 (hg19) VCF-style: chr16-68772251-G-A.
Other names: c.100G>A, p.Ala34Thr (NM_001317184.2); c.-1516G>A (NM_001317185.2); c.-1720G>A (NM_001317186.2); short protein forms A34T.
Identifiers: ClinVar variation 923087 (VCV000923087.4), dbSNP rs1486768673, ClinGen allele CA396451962.

ClinVar aggregate classification (germline): Uncertain significance. Review status: criteria provided, single submitter (1 of 4 stars). 2 submissions from 2 submitters: Uncertain significance (1). 1 of the submissions does not count toward it. Last evaluated 2019-09-25.

Conditions:
Hereditary cancer-predisposing syndrome. Also called: Neoplastic Syndromes, Hereditary; Tumor predisposition; Hereditary Cancer Syndrome; Hereditary neoplastic syndrome. Identifiers: Orphanet 140162, MedGen C0027672, MeSH D009386, MONDO:0015356.

Submissions (2):

Color Diagnostics, LLC DBA Color Health
Classification: Uncertain significance for Hereditary cancer-predisposing syndrome. Last evaluated: 2019-09-25. Review status: criteria provided, single submitter. Criteria: ACMG Guidelines, 2015. Collection method: clinical testing. Allele origin: germline.
Comment: This missense variant replaces alanine with threonine at codon 34 of the CDH1 protein. Computational prediction tool suggests that this variant may not impact protein structure and function (internally defined REVEL score threshold ≤0.5, PMID: 27666373). Splice site prediction tools suggest that this variant may not impact RNA splicing. To our knowledge, functional studies have not been performed for this variant. This variant has not been reported in individuals affected with hereditary cancer in the literature. This variant has not been identified in the general population by the Genome Aggregation Database (gnomAD). The available evidence is insufficient to determine the role of this variant in disease conclusively. Therefore, this variant is classified as a Variant of Uncertain Significance.

Department of Pathology and Laboratory Medicine, Sinai Health System
Classification: Uncertain significance. Review status: no assertion criteria provided. Collection method: clinical testing. Allele origin: unknown. Affected: yes. Observed: 1 variant allele. Study: The Canadian Open Genetics Repository (COGR). Not counted in ClinVar's aggregate classification.
Comment: The CDH1 p.Ala34Thr variant was not identified in the literature nor was it identified in the dbSNP, ClinVar, Cosmic, MutDB, Zhejiang University database, the Exome Aggregation Consortium (August 8th 2016), or the Genome Aggregation Database (Feb 27, 2017). The p.Ala34 residue is not conserved in mammals and four out of five computational analyses (PolyPhen-2, SIFT, AlignGVGD, BLOSUM, MutationTaster) do not suggest a high likelihood of impact to the protein; however, this information is not predictive enough to rule out pathogenicity. The variant occurs outside of the splicing consensus sequence and in silico or computational prediction software programs (SpliceSiteFinder, MaxEntScan, NNSPLICE, GeneSplicer) do not predict a difference in splicing. In summary, based on the above information, the clinical significance of this variant cannot be determined with certainty at this time. This variant is classified as a variant of uncertain significance.